The following is an entry in ClinVar:

NM_004304.5(ALK):c.3939-8A>G

Gene: ALK (ALK receptor tyrosine kinase; minus strand). Cytogenetic location: 2p23.2.
Variant type: single nucleotide variant.
Coding change: c.3939-8A>G on transcript NM_004304.5 (MANE Select); 8 bases into the intron before coding-DNA position 3939, A replaced by G.
Molecular consequence: intron variant.
Genome position (GRCh38, 1-based): chr2:29,197,684, T>C on the plus strand (A>G on the coding strand, the complement: ALK is on the minus strand). VCF-style: chr2-29197684-T-C. GRCh37 (hg19) VCF-style: chr2-29420550-T-C.
Other names: c.735-8A>G (NM_001353765.2).
Identifiers: ClinVar variation 239830 (VCV000239830.17), dbSNP rs3738869, ClinGen allele CA1593710.

ClinVar aggregate classification (germline): Benign/Likely benign. Review status: criteria provided, multiple submitters, no conflicts (2 of 4 stars). 5 submissions from 5 submitters: Benign (4); Likely benign (1). Last evaluated 2026-02-03.

Conditions:
Neuroblastoma, susceptibility to, 3. Also called: ALK-Related Neuroblastic Tumor Susceptibility. Identifiers: Orphanet 635, MedGen C2751681, MONDO:0013083, OMIM 613014.

Allele frequency attached by ClinVar (database versions not stated): gnomAD 0.00054 and 0.00083; gnomAD exomes 0.00059 and 0.00165; TOPMed 0.00088; ExAC 0.00166; 1000 Genomes Project 30x 0.00562; 1000 Genomes Project 0.00579.
gnomAD v4.1: 1,017 of 1,613,152 alleles (0.063%); highest among the groups gnomAD compares: East Asian, 2%; 8 homozygotes.

Submissions (5):

Labcorp Genetics (formerly Invitae), Labcorp
Classification: Benign for Neuroblastoma, susceptibility to, 3. Last evaluated: 2026-02-03. Review status: criteria provided, single submitter. Criteria: Invitae Variant Classification Sherloc (09022015). Collection method: clinical testing. Allele origin: germline.

KCCC/NGS Laboratory, Kuwait Cancer Control Center
Classification: Benign for Neuroblastoma, susceptibility to, 3. Last evaluated: 2025-02-01. Review status: criteria provided, single submitter. Criteria: ACMG Guidelines, 2015. Collection method: clinical testing. Allele origin: germline. Affected: no.

Women's Health and Genetics/Laboratory Corporation of America, LabCorp
Classification: Benign. Last evaluated: 2024-01-11. Review status: criteria provided, single submitter. Criteria: LabCorp Variant Classification Summary - May 2015. Collection method: clinical testing. Allele origin: germline.

GeneDx
Classification: Likely benign. Last evaluated: 2018-02-22. Review status: criteria provided, single submitter. Criteria: GeneDx Variant Classification (06012015). Collection method: clinical testing. Allele origin: germline. Affected: yes.
Comment: This variant is considered likely benign or benign based on one or more of the following criteria: it is a conservative change, it occurs at a poorly conserved position in the protein, it is predicted to be benign by multiple in silico algorithms, and/or has population frequency not consistent with disease.

Illumina Laboratory Services, Illumina
Classification: Benign for Neuroblastoma, susceptibility to, 3. Last evaluated: 2018-01-13. Review status: criteria provided, single submitter. Criteria: ICSL Variant Classification Criteria 13 December 2019. Collection method: clinical testing. Allele origin: germline.
Comment: This variant was observed in the ICSL laboratory as part of a predisposition screen in an ostensibly healthy population. It had not been previously curated by ICSL or reported in the Human Gene Mutation Database (HGMD: prior to June 1st, 2018), and was therefore a candidate for classification through an automated scoring system. Utilizing variant allele frequency, disease prevalence and penetrance estimates, and inheritance mode, an automated score was calculated to assess if this variant is too frequent to cause the disease. Based on the score and internal cut-off values, a variant classified as benign is not then subjected to further curation. The score for this variant resulted in a classification of benign for this disease.